The following is an entry in ClinVar:

ClinVar aggregate classification (germline): Likely pathogenic (1 of 4 stars; one submission).

Conditions:
Intellectual developmental disorder, autosomal dominant 50, with behavioral abnormalities. Also called: MENTAL RETARDATION, AUTOSOMAL DOMINANT 50; Intellectual disability, autosomal dominant 50. Identifiers: MedGen C4540470, MONDO:0030916, OMIM 617787.

Submission:

Juno Genomics, Hangzhou Juno Genomics, Inc
Classification: Likely pathogenic for Intellectual developmental disorder, autosomal dominant 50, with behavioral abnormalities. Review status: criteria provided, single submitter. Criteria: ACMG Guidelines, 2015. Collection method: clinical testing. Allele origin: germline. Affected: yes.
Comment: Absent from controls (or at extremely low frequency if recessive) in Genome Aggregation Database, Exome Sequencing Project, 1000 Genomes Project, or Exome Aggregation Consortium.;Null variant in a gene where loss of function (LOF) is a known mechanism of disease.

NM_057175.5(NAA15):c.1610C>A (p.Ser537Ter)

Gene: NAA15 (N-alpha-acetyltransferase 15, NatA auxiliary subunit; plus strand). Cytogenetic location: 4q31.1.
Variant type: single nucleotide variant.
Coding change: c.1610C>A on transcript NM_057175.5 (MANE Select); coding-DNA position 1610, C replaced by A.
Protein change: p.Ser537Ter; replaces serine 537 with a stop codon.
Molecular consequence: nonsense.
Genome position (GRCh38, 1-based): chr4:139,361,794, C>A. VCF-style: chr4-139361794-C-A. GRCh37 (hg19) VCF-style: chr4-140282948-C-A.
Other names: c.1610C>A, p.Ser537Ter (NM_001410842.1); short protein forms S537*.
Identifiers: ClinVar variation 4531272 (VCV004531272.1).